The following is an entry in ClinVar:

ClinVar aggregate classification (germline): Uncertain significance. Review status: criteria provided, multiple submitters, no conflicts (2 of 4 stars). 2 submissions from 2 submitters: Uncertain significance (2). Last evaluated 2025-12-16.

Conditions:
Hereditary cancer-predisposing syndrome. Also called: Hereditary Cancer Syndrome; Hereditary neoplastic syndrome; Neoplastic Syndromes, Hereditary; Tumor predisposition. Identifiers: Orphanet 140162, MedGen C0027672, MeSH D009386, MONDO:0015356.
Multiple endocrine neoplasia, type 2 (MEN2). Identifiers: Orphanet 653, MedGen C4048306, MONDO:0019003. Disease mechanism: gain of function.

gnomAD v4.1: 1 of 1,614,038 alleles (0.000062%); highest among the groups gnomAD compares: South Asian, 0.0011%; no homozygotes.

Submissions (2):

Labcorp Genetics (formerly Invitae), Labcorp
Classification: Uncertain significance for Multiple endocrine neoplasia, type 2. Last evaluated: 2025-12-16. Review status: criteria provided, single submitter. Criteria: Invitae Variant Classification Sherloc (09022015). Collection method: clinical testing. Allele origin: germline.
Comment: This sequence change replaces valine, which is neutral and non-polar, with methionine, which is neutral and non-polar, at codon 427 of the RET protein (p.Val427Met). This variant is not present in population databases (gnomAD no frequency). This missense change has been observed in individual(s) with congenital anomalies of the kidney and urinary tracts (PMID: 36549658). ClinVar contains an entry for this variant (Variation ID: 1767389). An algorithm developed to predict the effect of missense changes on protein structure and function (PolyPhen-2) suggests that this variant is likely to be disruptive. In summary, the available evidence is currently insufficient to determine the role of this variant in disease. Therefore, it has been classified as a Variant of Uncertain Significance.

Ambry Genetics
Classification: Uncertain significance for Hereditary cancer-predisposing syndrome. Last evaluated: 2022-09-09. Review status: criteria provided, single submitter. Criteria: Ambry Variant Classification Scheme 2023. Collection method: clinical testing. Allele origin: germline.
Comment: The p.V427M variant (also known as c.1279G>A), located in coding exon 7 of the RET gene, results from a G to A substitution at nucleotide position 1279. The valine at codon 427 is replaced by methionine, an amino acid with highly similar properties. This amino acid position is well conserved in available vertebrate species. In addition, the in silico prediction for this alteration is inconclusive. Since supporting evidence is limited at this time, the clinical significance of this alteration remains unclear.

Literature cited by the submitters: PubMed 36549658 (cited by Labcorp Genetics (formerly Invitae), Labcorp).

NM_020975.6(RET):c.1279G>A (p.Val427Met)

Gene: RET (ret proto-oncogene; plus strand). Cytogenetic location: 10q11.21.
Variant type: single nucleotide variant.
Coding change: c.1279G>A on transcript NM_020975.6 (MANE Select); coding-DNA position 1279, G replaced by A.
Protein change: p.Val427Met; replaces valine 427 with methionine.
Molecular consequence: missense variant.
Genome position (GRCh38, 1-based): chr10:43,111,222, G>A. VCF-style: chr10-43111222-G-A. GRCh37 (hg19) VCF-style: chr10-43606670-G-A.
Other names: c.1279G>A, p.Val427Met (NM_000323.2, NM_001406743.1, NM_001406744.1 and 6 more transcripts); c.517G>A, p.Val173Met (NM_001355216.2); c.1150G>A, p.Val384Met (NM_001406761.1, NM_001406762.1, NM_001406764.1 and 1 more transcripts); c.991G>A, p.Val331Met (NM_001406766.1, NM_001406767.1, NM_001406770.1); c.883G>A, p.Val295Met (NM_001406769.1, NM_001406772.1); c.841G>A, p.Val281Met (NM_001406771.1, NM_001406773.1); c.754G>A, p.Val252Met (NM_001406774.1); c.553G>A, p.Val185Met (NM_001406775.1, NM_001406776.1, NM_001406777.1 and 1 more transcripts); and 1 more; short protein forms V252M, V173M, V185M, V281M, V331M, V427M, V295M, V97M.
Identifiers: ClinVar variation 1767389 (VCV001767389.3), dbSNP rs1356436038, ClinGen allele CA376548866.